The following is an entry in ClinVar:

NM_022041.4(GAN):c.1205C>T (p.Thr402Ile)

Gene: GAN (gigaxonin; plus strand). Cytogenetic location: 16q23.2.
Variant type: single nucleotide variant.
Coding change: c.1205C>T on transcript NM_022041.4 (MANE Select); coding-DNA position 1205, C replaced by T.
Protein change: p.Thr402Ile; replaces threonine 402 with isoleucine.
Molecular consequence: missense variant.
Genome position (GRCh38, 1-based): chr16:81,363,912, C>T. VCF-style: chr16-81363912-C-T. GRCh37 (hg19) VCF-style: chr16-81397517-C-T.
Other names: c.566C>T, p.Thr189Ile (NM_001377486.1); short protein forms T189I, T402I.
Identifiers: ClinVar variation 1997861 (VCV001997861.4), dbSNP rs2507747157, ClinGen allele CA396890706.

ClinVar aggregate classification (germline): Uncertain significance (1 of 4 stars; one submission).

Conditions:
Giant axonal neuropathy 1 (GAN1). Also called: GAN-Related Neurodegeneration; GIANT AXONAL NEUROPATHY 1, AUTOSOMAL RECESSIVE. Identifiers: Orphanet 643, MedGen C1850386, MONDO:0009749, OMIM 256850.

Allele frequency attached by ClinVar (database versions not stated): gnomAD exomes 0.00001.
gnomAD v4.1: 7 of 1,613,464 alleles (0.00043%); highest among the groups gnomAD compares: Non-Finnish European, 0.00059%; no homozygotes.

Submission:

Labcorp Genetics (formerly Invitae), Labcorp
Classification: Uncertain significance for Giant axonal neuropathy 1. Last evaluated: 2022-05-22. Review status: criteria provided, single submitter. Criteria: Invitae Variant Classification Sherloc (09022015). Collection method: clinical testing. Allele origin: germline.
Comment: This variant has not been reported in the literature in individuals affected with GAN-related conditions. In summary, the available evidence is currently insufficient to determine the role of this variant in disease. Therefore, it has been classified as a Variant of Uncertain Significance. Algorithms developed to predict the effect of missense changes on protein structure and function (SIFT, PolyPhen-2, Align-GVGD) all suggest that this variant is likely to be tolerated. This variant is not present in population databases (gnomAD no frequency). This sequence change replaces threonine, which is neutral and polar, with isoleucine, which is neutral and non-polar, at codon 402 of the GAN protein (p.Thr402Ile).